The following is an entry in ClinVar:

NM_001079872.2(CUL4B):c.2327C>T (p.Ala776Val)

Gene: CUL4B (cullin 4B; minus strand). Cytogenetic location: Xq24.
Variant type: single nucleotide variant.
Coding change: c.2327C>T on transcript NM_001079872.2 (MANE Select); coding-DNA position 2327, C replaced by T.
Protein change: p.Ala776Val; replaces alanine 776 with valine.
Molecular consequence: missense variant.
Genome position (GRCh38, 1-based): chrX:120,532,534, G>A on the plus strand (C>T on the coding strand, the complement: CUL4B is on the minus strand). VCF-style: chrX-120532534-G-A. GRCh37 (hg19) VCF-style: chrX-119666389-G-A.
Other names: c.2342C>T, p.Ala781Val (NM_001330624.2); c.1793C>T, p.Ala598Val (NM_001369145.1); c.2381C>T, p.Ala794Val (NM_003588.4); short protein forms A598V, A776V, A781V, A794V.
Identifiers: ClinVar variation 3354815 (VCV003354815.4).

ClinVar aggregate classification (germline): Uncertain significance. Review status: criteria provided, single submitter (1 of 4 stars). 2 submissions from 2 submitters: Uncertain significance (1). 1 of the submissions does not count toward it. Last evaluated 2024-07-17.

Conditions:
X-linked intellectual disability Cabezas type (MRXSC). Also called: CABEZAS SYNDROME; MENTAL RETARDATION, X-LINKED, SYNDROMIC 15; Intellectual developmental disorder, X-linked syndromic, Cabezas type. Identifiers: Orphanet 85289, Orphanet 85293, MedGen C1845861, MONDO:0010306, OMIM 300354.
CUL4B-related disorder. Also called: CUL4B-related condition.

gnomAD v4.1: 26 of 1,206,696 alleles (0.0022%); highest among the groups gnomAD compares: South Asian, 0.0018%; 1 homozygote.

Submissions (3):

Labcorp Genetics (formerly Invitae), Labcorp
Classification: Uncertain significance for X-linked intellectual disability Cabezas type. Last evaluated: 2024-07-17. Review status: criteria provided, single submitter. Criteria: Invitae Variant Classification Sherloc (09022015). Collection method: clinical testing. Allele origin: germline.
Comment: This sequence change replaces alanine, which is neutral and non-polar, with valine, which is neutral and non-polar, at codon 794 of the CUL4B protein (p.Ala794Val). The frequency data for this variant in the population databases is considered unreliable, as metrics indicate poor data quality at this position in the gnomAD database. This variant has not been reported in the literature in individuals affected with CUL4B-related conditions. Advanced modeling of protein sequence and biophysical properties (such as structural, functional, and spatial information, amino acid conservation, physicochemical variation, residue mobility, and thermodynamic stability) performed at Invitae indicates that this missense variant is not expected to disrupt CUL4B protein function with a negative predictive value of 80%. In summary, the available evidence is currently insufficient to determine the role of this variant in disease. Therefore, it has been classified as a Variant of Uncertain Significance.

PreventionGenetics, part of Exact Sciences
Classification: Uncertain significance for CUL4B-related condition. Last evaluated: 2024-09-03. Review status: no assertion criteria provided. Collection method: clinical testing. Allele origin: germline. Not counted in ClinVar's aggregate classification.
Comment: The CUL4B c.2381C>T variant is predicted to result in the amino acid substitution p.Ala794Val. To our knowledge, this variant has not been reported in the literature. This variant is reported in 0.0052% of alleles in individuals of South Asian descent in gnomAD. At this time, the clinical significance of this variant is uncertain due to the absence of conclusive functional and genetic evidence.

Dr. Peter K. Rogan Lab, Western University
No classification provided (evidence only). Condition: Thyroid cancer, nonmedullary, 1. Review status: no classification provided. Collection method: in vitro. Allele origin: not applicable. Functional consequence: skipped exon. Not counted in ClinVar's aggregate classification.